The following is an entry in ClinVar:

ClinVar aggregate classification (germline): Conflicting classifications of pathogenicity. Review status: criteria provided, conflicting classifications (1 of 4 stars). 5 submissions from 5 submitters: Uncertain significance (1); Benign (1); Likely benign (2). 1 of the submissions does not count toward it. Last evaluated 2026-01-04.

Conditions:
Familial thoracic aortic aneurysm and aortic dissection (TAAD). Also called: Thoracic aortic aneurysms and dissections. Identifiers: Orphanet 91387, MedGen C4707243, MONDO:0019625.
Aortic aneurysm, familial thoracic 4 (AAT4). Also called: AORTIC ANEURYSM/AORTIC DISSECTION AND PATENT DUCTUS ARTERIOSUS. Identifiers: MedGen C1851504, MONDO:0007568, OMIM 132900.

Allele frequency attached by ClinVar (database versions not stated): TOPMed 0.00006; 1000 Genomes Project 0.00020.
gnomAD v4.1: 62 of 1,610,136 alleles (0.0039%); highest among the groups gnomAD compares: Admixed American, 0.081%; 1 homozygote.

Submissions (5):

Labcorp Genetics (formerly Invitae), Labcorp
Classification: Likely benign for Aortic aneurysm, familial thoracic 4. Last evaluated: 2026-01-04. Review status: criteria provided, single submitter. Criteria: Invitae Variant Classification Sherloc (09022015). Collection method: clinical testing. Allele origin: germline.

GeneDx
Classification: Uncertain significance. Last evaluated: 2024-03-19. Review status: criteria provided, single submitter. Criteria: GeneDx Variant Classification Process June 2021. Collection method: clinical testing. Allele origin: germline. Affected: yes.
Comment: In silico analysis supports that this variant does not alter splicing; Has not been previously published as pathogenic or benign to our knowledge; Reported using an alternate transcript of the gene

Color Diagnostics, LLC DBA Color Health
Classification: Likely benign for Familial thoracic aortic aneurysm and aortic dissection. Last evaluated: 2019-02-25. Review status: criteria provided, single submitter. Criteria: ACMG Guidelines, 2015. Collection method: clinical testing. Allele origin: germline.

CHEO Genetics Diagnostic Laboratory, Children's Hospital of Eastern Ontario
Classification: Benign for Familial thoracic aortic aneurysm and aortic dissection. Last evaluated: 2018-04-16. Review status: criteria provided, single submitter. Criteria: ACMG Guidelines, 2015. Collection method: clinical testing. Allele origin: germline.

Knight Diagnostic Laboratories, Oregon Health and Sciences University
Classification: Uncertain significance for Aortic aneurysm, familial thoracic 4. Last evaluated: 2015-12-04. Review status: no assertion criteria provided. Criteria: ACMG Guidelines, 2015. Collection method: clinical testing. Allele origin: germline. Affected: no. Study: CSER-NextGen. Not counted in ClinVar's aggregate classification.

NM_001040113.2(MYH11):c.5818C>G (p.Pro1940Ala)

Genes: NDE1 (nudE neurodevelopment protein 1; plus strand), MYH11 (myosin heavy chain 11; minus strand). Cytogenetic location: 16p13.11.
Variant type: single nucleotide variant.
Coding change: c.5818C>G on transcript NM_001040113.2 (MANE Plus Clinical); coding-DNA position 5818, C replaced by G.
Protein change: p.Pro1940Ala; replaces proline 1940 with alanine.
Molecular consequence: missense variant. On other transcripts: intron variant (4).
Genome position (GRCh38, 1-based): chr16:15,708,831, G>C on the plus strand (C>G on the coding strand, the complement: MYH11 is on the minus strand). VCF-style: chr16-15708831-G-C. GRCh37 (hg19) VCF-style: chr16-15802688-G-C.
Other names: c.5797C>G, p.Pro1933Ala (NM_022844.3); c.947+11971G>C (NM_001143979.2, NM_017668.3); c.5787-4708C>G (NM_002474.3); c.5808-4708C>G (NM_001040114.2); short protein forms P1940A, P1933A.
Identifiers: ClinVar variation 374962 (VCV000374962.15), dbSNP rs200884440, ClinGen allele CA7921107.